The following is an entry in ClinVar:

ClinVar aggregate classification (germline): Likely pathogenic (1 of 4 stars; one submission).

Conditions:
Primary dilated cardiomyopathy (DCM). Also called: Dilated Cardiomyopathy. Identifiers: Orphanet 217604, MedGen C0007193, MeSH D002311, MONDO:0005021, HP:0001644. Inheritance: Various modes of inheritance.

Submission:

Laboratory for Molecular Medicine, Mass General Brigham Personalized Medicine
Classification: Likely pathogenic for Primary dilated cardiomyopathy. Last evaluated: 2014-01-03. Review status: criteria provided, single submitter. Criteria: LMM Criteria. Collection method: clinical testing. Allele origin: germline. Observed: 1 variant allele.
Comment: proposed classification - variant undergoing re-assessment, contact laboratory

NM_000257.4(MYH7):c.1798C>T (p.Pro600Ser)

Gene: MYH7 (myosin heavy chain 7; minus strand). Cytogenetic location: 14q11.2.
Variant type: single nucleotide variant.
Coding change: c.1798C>T on transcript NM_000257.4 (MANE Select); coding-DNA position 1798, C replaced by T.
Protein change: p.Pro600Ser; replaces proline 600 with serine.
Molecular consequence: missense variant.
Genome position (GRCh38, 1-based): chr14:23,427,675, G>A on the plus strand (C>T on the coding strand, the complement: MYH7 is on the minus strand). VCF-style: chr14-23427675-G-A. GRCh37 (hg19) VCF-style: chr14-23896884-G-A.
Other names: short protein forms P600S.
Identifiers: ClinVar variation 42867 (VCV000042867.5), dbSNP rs397516123, ClinGen allele CA011279.